The following is an entry in ClinVar:

ClinVar aggregate classification (germline): Uncertain significance (1 of 4 stars; one submission).

Conditions:
Peroxisome biogenesis disorder. Identifiers: Orphanet 79189, MedGen C1832200, MONDO:0019234. Disease mechanism: loss of function.

gnomAD v4.1: 12 of 1,600,832 alleles (0.00075%); highest among the groups gnomAD compares: East Asian, 0.027%; no homozygotes.

Submission:

Labcorp Genetics (formerly Invitae), Labcorp
Classification: Uncertain significance for Peroxisome biogenesis disorder. Last evaluated: 2022-07-25. Review status: criteria provided, single submitter. Criteria: Invitae Variant Classification Sherloc (09022015). Collection method: clinical testing. Allele origin: germline.
Comment: This sequence change replaces leucine, which is neutral and non-polar, with isoleucine, which is neutral and non-polar, at codon 567 of the PEX6 protein (p.Leu567Ile). The frequency data for this variant in the population databases is considered unreliable, as metrics indicate poor data quality at this position in the gnomAD database. This variant has not been reported in the literature in individuals affected with PEX6-related conditions. Algorithms developed to predict the effect of missense changes on protein structure and function (SIFT, PolyPhen-2, Align-GVGD) all suggest that this variant is likely to be tolerated. In summary, the available evidence is currently insufficient to determine the role of this variant in disease. Therefore, it has been classified as a Variant of Uncertain Significance.

NM_000287.4(PEX6):c.1699C>A (p.Leu567Ile)

Gene: PEX6 (peroxisomal biogenesis factor 6; minus strand). Cytogenetic location: 6p21.1.
Variant type: single nucleotide variant.
Coding change: c.1699C>A on transcript NM_000287.4 (MANE Select); coding-DNA position 1699, C replaced by A.
Protein change: p.Leu567Ile; replaces leucine 567 with isoleucine.
Molecular consequence: missense variant. On other transcripts: non-coding transcript variant (1).
Genome position (GRCh38, 1-based): chr6:42,967,553, G>T on the plus strand (C>A on the coding strand, the complement: PEX6 is on the minus strand). VCF-style: chr6-42967553-G-T. GRCh37 (hg19) VCF-style: chr6-42935291-G-T.
Other names: c.1435C>A, p.Leu479Ile (NM_001316313.2); short protein forms L479I, L567I.
Identifiers: ClinVar variation 2184676 (VCV002184676.1), dbSNP rs770827358, ClinGen allele CA3811237.